The following is an entry in ClinVar:

NM_007294.4(BRCA1):c.5435C>A (p.Pro1812Gln)

Gene: BRCA1 (BRCA1 DNA repair associated; minus strand). Cytogenetic location: 17q21.31.
Variant type: single nucleotide variant.
Coding change: c.5435C>A on transcript NM_007294.4 (MANE Select); coding-DNA position 5435, C replaced by A.
Protein change: p.Pro1812Gln; replaces proline 1812 with glutamine.
Molecular consequence: missense variant. On other transcripts: synonymous variant (17).
Genome position (GRCh38, 1-based): chr17:43,047,675, G>T on the plus strand (C>A on the coding strand, the complement: BRCA1 is on the minus strand). VCF-style: chr17-43047675-G-T. GRCh37 (hg19) VCF-style: chr17-41199692-G-T.
Other names: c.5357C>A, p.Pro1786Gln (NM_001407653.1, NM_001407654.1, NM_001407655.1 and 1 more transcripts); c.5354C>A, p.Pro1785Gln (NM_001407656.1, NM_001407657.1, NM_001407658.1); c.5351C>A, p.Pro1784Gln (NM_001407659.1, NM_001407660.1, NM_001407661.1 and 2 more transcripts); c.5312C>A, p.Pro1771Gln (NM_001407664.1, NM_001407665.1, NM_001407666.1 and 3 more transcripts); c.5309C>A, p.Pro1770Gln (NM_001407670.1, NM_001407671.1, NM_001407672.1 and 8 more transcripts); c.5306C>A, p.Pro1769Gln (NM_001407681.1, NM_001407682.1, NM_001407683.1 and 6 more transcripts); c.5303C>A, p.Pro1768Gln (NM_001407690.1, NM_001407691.1); c.5294C>A, p.Pro1765Gln (NM_001407692.1, NM_001407694.1, NM_001407695.1 and 12 more transcripts); and 83 more; short protein forms P1812Q, P1833Q, P1765Q, P708Q, P1515Q, P1643Q, P1684Q, P1699Q.
Identifiers: ClinVar variation 865502 (VCV000865502.3), dbSNP rs2050986502, ClinGen allele CA10590559.

Conditions:
Breast-ovarian cancer, familial, susceptibility to, 1 (BROVCA1). Also called: BRCA1 Hereditary Breast and Ovarian Cancer; OVARIAN CANCER, SUSCEPTIBILITY TO. Identifiers: Orphanet 145, MedGen C2676676, MONDO:0011450, OMIM 604370. Disease mechanism: loss of function.

Submission:

Brotman Baty Institute, University of Washington
No classification provided (evidence only). Condition: Breast-ovarian cancer, familial 1. Review status: no classification provided. Collection method: in vitro. Allele origin: not applicable. Functional consequence: function_uncertain_variant.
ClinVar note: "not provided" was previously submitted as the classification for the variant. However, the classification appeared to be based only on an observation of functional data so it was converted to no classification on 2025-07-30.